The following is an entry in ClinVar:

ClinVar aggregate classification (germline): Pathogenic (1 of 4 stars; one submission).

Conditions:
Severe X-linked myotubular myopathy (CNMX). Also called: Myotubular myopathy, X-linked; MYOTUBULAR MYOPATHY 1; X-linked centronuclear myopathy. Identifiers: Orphanet 596, MedGen C0410203, MONDO:0010683, OMIM 310400.

Submission:

Labcorp Genetics (formerly Invitae), Labcorp
Classification: Pathogenic for Severe X-linked myotubular myopathy. Last evaluated: 2023-08-17. Review status: criteria provided, single submitter. Criteria: Invitae Variant Classification Sherloc (09022015). Collection method: clinical testing. Allele origin: germline.
Comment: This sequence change creates a premature translational stop signal (p.Tyr9*) in the MTM1 gene. It is expected to result in an absent or disrupted protein product. Loss-of-function variants in MTM1 are known to be pathogenic (PMID: 9305655, 10063835). This variant is not present in population databases (gnomAD no frequency). This variant has not been reported in the literature in individuals affected with MTM1-related conditions. For these reasons, this variant has been classified as Pathogenic.

Literature cited by the submitters: PubMed 9305655; PubMed 10063835.

NM_000252.3(MTM1):c.27T>G (p.Tyr9Ter)

Gene: MTM1 (myotubularin 1; plus strand). Cytogenetic location: Xq28.
Variant type: single nucleotide variant.
Coding change: c.27T>G on transcript NM_000252.3 (MANE Select); coding-DNA position 27, T replaced by G.
Protein change: p.Tyr9Ter; replaces tyrosine 9 with a stop codon.
Molecular consequence: nonsense.
Genome position (GRCh38, 1-based): chrX:150,592,641, T>G. VCF-style: chrX-150592641-T-G. GRCh37 (hg19) VCF-style: chrX-149761103-T-G.
Other names: c.27T>G, p.Tyr9Ter (NM_001376906.1, NM_001376907.1, NM_001376908.1); short protein forms Y9*.
Identifiers: ClinVar variation 2753250 (VCV002753250.3), dbSNP rs2522096827, ClinGen allele CA415248354.